The following is an entry in ClinVar:

NM_003119.4(SPG7):c.850_851delinsC (p.Phe284fs)

Gene: SPG7 (SPG7 matrix AAA peptidase subunit, paraplegin; plus strand). Cytogenetic location: 16q24.3.
Variant type: Indel.
Coding change: c.850_851delinsC on transcript NM_003119.4 (MANE Select); coding-DNA positions 850 to 851, TT replaced by C.
Protein change: p.Phe284fs; shifts the reading frame from phenylalanine 284.
Molecular consequence: frameshift variant.
Genome position (GRCh38, 1-based): chr16:89,529,568-89,529,569, TT replaced by C. VCF-style: chr16-89529568-TT-C. GRCh37 (hg19) VCF-style: chr16-89595976-TT-C.
Other names: c.850_851delinsC, p.Phe284fs (NM_001363850.1, NM_199367.3); c.850_851delTTinsC (NM_003119.2); short protein forms F284fs.
Identifiers: ClinVar variation 533735 (VCV000533735.12), dbSNP rs768595656, ClinGen allele CA658798653.

ClinVar aggregate classification (germline): Pathogenic. Review status: criteria provided, multiple submitters, no conflicts (2 of 4 stars). 5 submissions from 5 submitters: Pathogenic (4). 1 of the submissions does not count toward it. Last evaluated 2024-06-21.

Conditions:
Hereditary spastic paraplegia 7 (SPG7). Also called: SPG7-related neurologic disorder; SPASTIC PARAPLEGIA 7, AUTOSOMAL RECESSIVE, WITH OR WITHOUT CEREBELLAR ATAXIA; Spastic paraplegia 7; Hereditary spastic paraplegia Paraplegin type; Autosomal recessive spastic paraplegia type 7. Identifiers: Orphanet 99013, MedGen C1846564, MONDO:0011803, OMIM 607259.

Submissions (5):

Fulgent Genetics
Classification: Pathogenic for Hereditary spastic paraplegia 7. Last evaluated: 2024-06-21. Review status: criteria provided, single submitter. Criteria: ACMG Guidelines, 2015. Collection method: clinical testing. Allele origin: germline.

Labcorp Genetics (formerly Invitae), Labcorp
Classification: Pathogenic for Hereditary spastic paraplegia 7. Last evaluated: 2022-06-04. Review status: criteria provided, single submitter. Criteria: Invitae Variant Classification Sherloc (09022015). Collection method: clinical testing. Allele origin: germline.
Comment: For these reasons, this variant has been classified as Pathogenic. This premature translational stop signal has been observed in individuals with hereditary spastic paraplegia (HSP) (PMID: 16534102, 23065789). This variant is present in population databases (rs768595656, gnomAD 0.006%). This sequence change creates a premature translational stop signal (p.Phe284Profs*45) in the SPG7 gene. It is expected to result in an absent or disrupted protein product. Loss-of-function variants in SPG7 are known to be pathogenic (PMID: 21623769, 22964162).

PROSPAX: an integrated multimodal progression  chart in spastic ataxias, Center for Neurology; Hertie-Institute for Clinical Brain Research
Classification: Pathogenic for Hereditary spastic paraplegia 7. Last evaluated: 2022-01-01. Review status: criteria provided, single submitter. Criteria: ACMG Guidelines, 2015. Collection method: research. Allele origin: germline. Affected: yes.
Comment: Variant seen in compound het: [c.1742_1744del;c.850_851delTTinsC],[c.1A>G;c.850_851delTTinsC],[c.850_851delTTinsC;c.1529C>T]

Paris Brain Institute, Inserm - ICM
Classification: Pathogenic for Hereditary spastic paraplegia 7. Review status: criteria provided, single submitter. Criteria: ACMG Guidelines, 2015. Collection method: clinical testing. Allele origin: unknown. Affected: yes. Observed: 8 variant alleles.

OMIM
Classification: Pathogenic for SPASTIC PARAPLEGIA 7, AUTOSOMAL RECESSIVE WITH CEREBELLAR ATAXIA. Last evaluated: 2006-03-14. Review status: no assertion criteria provided. Collection method: literature only. Allele origin: germline. Not counted in ClinVar's aggregate classification.

Literature cited by the submitters: PubMed 16534102 (cited by Labcorp Genetics (formerly Invitae), Labcorp and OMIM); PubMed 23065789 (cited by Labcorp Genetics (formerly Invitae), Labcorp); PubMed 21623769 (cited by Labcorp Genetics (formerly Invitae), Labcorp); PubMed 22964162 (cited by Labcorp Genetics (formerly Invitae), Labcorp).